The following is an entry in ClinVar:

ClinVar aggregate classification (germline): Pathogenic (1 of 4 stars; one submission).

Submission:

Quest Diagnostics Nichols Institute San Juan Capistrano
Classification: Pathogenic. Last evaluated: 2022-12-20. Review status: criteria provided, single submitter. Criteria: ACMG/ClinGen CNV Guidelines, 2019. Collection method: clinical testing. Allele origin: unknown.
Comment: This loss involves several protein-coding genes, including multiple exons of the 3' portion of ANKRD11 (NM_013275.6; OMIM 611192). Heterozygous sequence variants and deletions of ANKRD11 are associated with autosomal dominant KBG syndrome (KBGS; OMIM 148050, Handrigan 2013, Miyatake 2013, Novara 2017, Willemsen 2009). There are no similar copy number losses spanning this region in the general populations of the Database of Genomic Variants. Thus, based on current medical literature and gene content, this copy number variant (CNV) is classified as pathogenic. References: Handrigan et al., J Med Genet. 2013 Mar;50(3):163-73. PMID: 23335808 Miyatake et al., Am J Med Genet A. 2013 May;161A(5):1073-7. PMID: 23463723 Novara et al., Eur J Hum Genet. 2017 Jun;25(6):694-701. PMID: 28422132 Willemsen et al., Eur J Hum Genet. 2010 Apr;18(4):429-35. PMID: 19920853

GRCh37/hg19 16q24.2-24.3(chr16:88067200-89460290)x1

Genes: IL17C (interleukin 17C; plus strand), MVD (mevalonate diphosphate decarboxylase; minus strand), RNF166 (ring finger protein 166; minus strand), SNAI3 (snail family transcriptional repressor 3; minus strand), TRAPPC2L (trafficking protein particle complex subunit 2L; plus strand) and 17 more. Cytogenetic location: 16q24.2-24.3.
Variant type: copy number loss.
Change: copy number 1 (one copy instead of two) of chr16:88,067,200-89,460,290 (1.39 Mb, GRCh37 coordinates, 1-based), cytogenetic band 16q24.2-24.3.
Identifiers: ClinVar variation 2685587 (VCV002685587.1).